The following is an entry in ClinVar:

ClinVar aggregate classification (germline): Likely pathogenic (1 of 4 stars; one submission).

Conditions:
Emery-Dreifuss muscular dystrophy 4, autosomal dominant (EDMD4). Also called: EMERY-DREIFUSS MUSCULAR DYSTROPHY 4 WITH VARIABLE FEATURES. Identifiers: Orphanet 261, MedGen C2751807, MONDO:0013071, OMIM 612998.
Autosomal recessive ataxia, Beauce type. Also called: Spinocerebellar ataxia, autosomal recessive 8; ATAXIA, RECESSIVE, OF BEAUCE; SYNE1-Related Autosomal Recessive Cerebellar Ataxia; SYNE1 Deficiency. Identifiers: Orphanet 88644, MedGen C1853116, MONDO:0012549, OMIM 610743.

Submission:

Labcorp Genetics (formerly Invitae), Labcorp
Classification: Likely pathogenic for Emery-Dreifuss muscular dystrophy 4, autosomal dominant; Autosomal recessive ataxia, Beauce type. Last evaluated: 2024-01-13. Review status: criteria provided, single submitter. Criteria: Invitae Variant Classification Sherloc (09022015). Collection method: clinical testing. Allele origin: germline.
Comment: This sequence change affects a donor splice site in intron 124 of the SYNE1 gene. It is expected to disrupt RNA splicing. Variants that disrupt the donor or acceptor splice site typically lead to a loss of protein function (PMID: 16199547), and loss-of-function variants in SYNE1 are known to be pathogenic (PMID: 19542096, 24319099, 27086870). This variant is not present in population databases (gnomAD no frequency). This variant has not been reported in the literature in individuals affected with SYNE1-related conditions. Algorithms developed to predict the effect of sequence changes on RNA splicing suggest that this variant may disrupt the consensus splice site. In summary, the currently available evidence indicates that the variant is pathogenic, but additional data are needed to prove that conclusively. Therefore, this variant has been classified as Likely Pathogenic.

Literature cited by the submitters: PubMed 16199547; PubMed 19542096; PubMed 24319099; PubMed 27086870.

NM_182961.4(SYNE1):c.22824+2T>A

Gene: SYNE1 (spectrin repeat containing nuclear envelope protein 1; minus strand). Cytogenetic location: 6q25.2.
Variant type: single nucleotide variant.
Coding change: c.22824+2T>A on transcript NM_182961.4 (MANE Select); the canonical splice donor site of the intron after coding-DNA position 22824, T replaced by A.
Molecular consequence: splice donor variant.
Genome position (GRCh38, 1-based): chr6:152,207,970, A>T on the plus strand (T>A on the coding strand, the complement: SYNE1 is on the minus strand). VCF-style: chr6-152207970-A-T. GRCh37 (hg19) VCF-style: chr6-152529105-A-T.
Other names: c.22611+2T>A (NM_033071.5).
Identifiers: ClinVar variation 2939981 (VCV002939981.3), dbSNP rs2551324651, ClinGen allele CA366095445.